The following is an entry in ClinVar:

ClinVar aggregate classification (germline): Pathogenic/Likely pathogenic. Review status: criteria provided, multiple submitters, no conflicts (2 of 4 stars). 3 submissions from 3 submitters: Pathogenic (1); Likely pathogenic (2). Last evaluated 2023-11-13.

Conditions:
Zellweger spectrum disorders (ZS). Also called: Zellweger Spectrum Disorder; Zellweger Spectrum; Zellweger Spectrum Disorder (ZSD); Zellweger syndrome. Identifiers: Orphanet 912, MedGen C0043459, MONDO:0019609.
Heimler syndrome 1 (HMLR1). Also called: PEROXISOME BIOGENESIS DISORDER 1C. Identifiers: Orphanet 3220, MedGen C4551980, OMIM 234580, MONDO:0024544.
Peroxisome biogenesis disorder 1A (Zellweger) (PBD1A). Also called: Zellweger leukodystrophy; Peroxisome biogenesis disorder 1a. Identifiers: MedGen C4721541, MONDO:0008953, OMIM 214100.
Peroxisome biogenesis disorder 1B (PBD1B). Also called: Infantile Refsum disease; Infantile form of phytanic acid storage disease; PEROXISOME BIOGENESIS DISORDER (NEONATAL ADRENOLEUKODYSTROPHY/INFANTILE REFSUM DISEASE); INFANTILE PHYTANIC ACID STORAGE DISEASE; PEROXISOME BIOGENESIS DISORDER (NALD/IRD); ADRENOLEUKODYSTROPHY, AUTOSOMAL NEONATAL. Identifiers: Orphanet 44, MedGen C0282527, MONDO:0011101, OMIM 601539.

Submissions (3):

Baylor Genetics
Classification: Likely pathogenic for Heimler syndrome 1. Last evaluated: 2023-11-13. Review status: criteria provided, single submitter. Criteria: ACMG Guidelines, 2015. Collection method: clinical testing. Allele origin: unknown.

Labcorp Genetics (formerly Invitae), Labcorp
Classification: Pathogenic for Zellweger spectrum disorders. Last evaluated: 2021-12-12. Review status: criteria provided, single submitter. Criteria: Invitae Variant Classification Sherloc (09022015). Collection method: clinical testing. Allele origin: germline.
Comment: For these reasons, this variant has been classified as Pathogenic. This variant has not been reported in the literature in individuals affected with PEX1-related conditions. This variant is not present in population databases (gnomAD no frequency). This sequence change creates a premature translational stop signal (p.Arg1208Glyfs*10) in the PEX1 gene. It is expected to result in an absent or disrupted protein product. Loss-of-function variants in PEX1 are known to be pathogenic (PMID: 9398847, 16086329, 16141001, 21031596, 26387595, 31831025).

Fulgent Genetics
Classification: Likely pathogenic for Peroxisome biogenesis disorder 1A (Zellweger); Heimler syndrome 1; Peroxisome biogenesis disorder 1B. Last evaluated: 2021-08-10. Review status: criteria provided, single submitter. Criteria: ACMG Guidelines, 2015. Collection method: clinical testing. Allele origin: unknown.

Literature cited by the submitters: PubMed 9398847 (cited by Labcorp Genetics (formerly Invitae), Labcorp); PubMed 16086329 (cited by Labcorp Genetics (formerly Invitae), Labcorp); PubMed 16141001 (cited by Labcorp Genetics (formerly Invitae), Labcorp); PubMed 21031596 (cited by Labcorp Genetics (formerly Invitae), Labcorp); PubMed 26387595 (cited by Labcorp Genetics (formerly Invitae), Labcorp); PubMed 31831025 (cited by Labcorp Genetics (formerly Invitae), Labcorp).

NM_000466.3(PEX1):c.3622del (p.Arg1208fs)

Genes: PEX1 (peroxisomal biogenesis factor 1; minus strand), GATAD1 (GATA zinc finger domain containing 1; plus strand). Cytogenetic location: 7q21.2.
Variant type: Deletion.
Coding change: c.3622del on transcript NM_000466.3 (MANE Select); coding-DNA position 3622, one base deleted (C; older notation c.3622delC).
Protein change: p.Arg1208fs; shifts the reading frame from arginine 1208.
Molecular consequence: frameshift variant.
Genome position (GRCh38, 1-based): chr7:92,489,728, G deleted on the plus strand (C on the coding strand, the reverse complement: PEX1 is on the minus strand); the first of 2 consecutive G bases (chr7:92,489,728-92,489,729); deleting either gives the same sequence. VCF-style (leftmost placement, unchanged base first): chr7-92489727-CG-C. GRCh37 (hg19) VCF-style: chr7-92119041-CG-C.
Other names: c.3451del, p.Arg1151fs (NM_001282677.2); c.2998del, p.Arg1000fs (NM_001282678.2); short protein forms R1208fs, R1000fs, R1151fs.
Identifiers: ClinVar variation 1453236 (VCV001453236.8), dbSNP rs1791174009, ClinGen allele CA1725926949.
Genomic context (GRCh38, chr7:92,489,727, plus strand): 5'-ATTTTTAAGAAGTTTTAACAATTATAATGAGGGGGAAAAAGCCATACTCCACTTTGGCTC[CG>C]GTATCTGCCTTTGATAATACTGATATCTGCCCTCAGTTGATCTCTTTGTTCTTGTGTAAG-3'